The following is an entry in ClinVar:

ClinVar aggregate classification (germline): Likely benign. Review status: criteria provided, multiple submitters, no conflicts (2 of 4 stars). 3 submissions from 3 submitters: Likely benign (3). Last evaluated 2025-11-01.

Conditions:
Hyperaldosteronism, familial, type IV (HALD4). Also called: FH IV; ALDOSTERONISM, PRIMARY, AND HYPERTENSION. Identifiers: Orphanet 642671, MedGen C4310756, MONDO:0014875, OMIM 617027.
Idiopathic generalized epilepsy. Also called: EIG; Generalised epilepsy. Identifiers: MedGen C0270850, MONDO:0005579, OMIM 600669.

Allele frequency attached by ClinVar (database versions not stated): ExAC below 0.00001; gnomAD 0.00001; gnomAD exomes 0.00001 and 0.00003; TOPMed 0.00002.
gnomAD v4.1: 38 of 1,561,430 alleles (0.0024%); highest among the groups gnomAD compares: Non-Finnish European, 0.0031%; no homozygotes.

Submissions (3):

CeGaT Center for Human Genetics Tuebingen
Classification: Likely benign. Last evaluated: 2025-11-01. Review status: criteria provided, single submitter. Criteria: CeGaT Center For Human Genetics Tuebingen Variant Classification Criteria Version 2. Collection method: clinical testing. Allele origin: germline. Affected: yes. Observed: 1 variant allele.
Comment: CACNA1H: BP4, BP7

Labcorp Genetics (formerly Invitae), Labcorp
Classification: Likely benign for Idiopathic generalized epilepsy; Hyperaldosteronism, familial, type IV. Last evaluated: 2024-08-07. Review status: criteria provided, single submitter. Criteria: Invitae Variant Classification Sherloc (09022015). Collection method: clinical testing. Allele origin: germline.

Blueprint Genetics
Classification: Likely benign. Last evaluated: 2024-06-07. Review status: criteria provided, single submitter. Criteria: ACMG Guidelines, 2015. Collection method: clinical testing. Allele origin: germline.

NM_021098.3(CACNA1H):c.5787C>T (p.Asn1929=)

Gene: CACNA1H (calcium voltage-gated channel subunit alpha1 H; plus strand). Cytogenetic location: 16p13.3.
Variant type: single nucleotide variant.
Coding change: c.5787C>T on transcript NM_021098.3 (MANE Select); coding-DNA position 5787, C replaced by T.
Protein change: p.Asn1929=; no amino-acid change (asparagine 1929 retained).
Molecular consequence: synonymous variant.
Genome position (GRCh38, 1-based): chr16:1,218,551, C>T. VCF-style: chr16-1218551-C-T. GRCh37 (hg19) VCF-style: chr16-1268551-C-T.
Other names: c.5769C>T, p.Asn1923= (NM_001005407.2).
Identifiers: ClinVar variation 747652 (VCV000747652.16), dbSNP rs747958775, ClinGen allele CA7802127.